The following is an entry in ClinVar:

ClinVar aggregate classification (germline): Likely benign. Review status: criteria provided, single submitter (1 of 4 stars). 2 submissions from 2 submitters: Likely benign (1). 1 of the submissions does not count toward it. Last evaluated 2018-04-17.

Conditions:
Glycogen storage disease, type VII (GSD7). Also called: GSD VII; MUSCLE PHOSPHOFRUCTOKINASE DEFICIENCY; PFKM DEFICIENCY; TARUI DISEASE. Identifiers: Orphanet 371, MedGen C0017926, MONDO:0009295, OMIM 232800.

Allele frequency attached by ClinVar (database versions not stated): gnomAD exomes below 0.00001; ExAC 0.00001; gnomAD 0.00001 and 0.00002; TOPMed 0.00004; 1000 Genomes Project 30x 0.00016; 1000 Genomes Project 0.00020.
gnomAD v4.1: 5 of 1,613,916 alleles (0.00031%); highest among the groups gnomAD compares: African/African-American, 0.0053%; no homozygotes.

Submissions (2):

GeneDx
Classification: Likely benign. Last evaluated: 2018-04-17. Review status: criteria provided, single submitter. Criteria: GeneDx Variant Classification (06012015). Collection method: clinical testing. Allele origin: germline. Affected: yes.
Comment: This variant is considered likely benign or benign based on one or more of the following criteria: it is a conservative change, it occurs at a poorly conserved position in the protein, it is predicted to be benign by multiple in silico algorithms, and/or has population frequency not consistent with disease.

Natera, Inc.
Classification: Likely benign for Glycogen storage disease type VII. Last evaluated: 2020-10-29. Review status: no assertion criteria provided. Collection method: clinical testing. Allele origin: germline. Not counted in ClinVar's aggregate classification.

NM_000289.6(PFKM):c.483G>A (p.Leu161=)

Gene: PFKM (phosphofructokinase, muscle; plus strand). Cytogenetic location: 12q13.11.
Variant type: single nucleotide variant.
Coding change: c.483G>A on transcript NM_000289.6 (MANE Select); coding-DNA position 483, G replaced by A.
Protein change: p.Leu161=; no amino-acid change (leucine 161 retained).
Molecular consequence: synonymous variant. On other transcripts: non-coding transcript variant (6).
Genome position (GRCh38, 1-based): chr12:48,133,370, G>A. VCF-style: chr12-48133370-G-A. GRCh37 (hg19) VCF-style: chr12-48527153-G-A.
Other names: c.483G>A, p.Leu161= (NM_001354746.2, NM_001363619.2, NM_001166687.2 and 4 more transcripts); c.333G>A, p.Leu111= (NM_001354747.2, NM_001354748.2); c.696G>A, p.Leu232= (NM_001166686.2, NM_001354737.1, NM_001354738.1 and 1 more transcripts); c.792G>A, p.Leu264= (NM_001354735.1, NM_001354736.1); c.627G>A, p.Leu209= (NM_001354740.1); c.507G>A, p.Leu169= (NM_001354741.2); c.396G>A, p.Leu132= (NM_001354745.2).
Identifiers: ClinVar variation 681466 (VCV000681466.2), dbSNP rs199856938, ClinGen allele CA6537009.